The following is an entry in ClinVar:

ClinVar aggregate classification (germline): Pathogenic (1 of 4 stars; one submission).

Conditions:
Spastic paraplegia. Identifiers: MedGen C0037772, HP:0001258.

Submission:

Labcorp Genetics (formerly Invitae), Labcorp
Classification: Pathogenic for Spastic paraplegia. Last evaluated: 2022-09-26. Review status: criteria provided, single submitter. Criteria: Invitae Variant Classification Sherloc (09022015). Collection method: clinical testing. Allele origin: germline.
Comment: For these reasons, this variant has been classified as Pathogenic. This sequence change creates a premature translational stop signal (p.Arg125Serfs*12) in the GJC2 gene. While this is not anticipated to result in nonsense mediated decay, it is expected to disrupt the last 315 amino acid(s) of the GJC2 protein. This variant is not present in population databases (gnomAD no frequency). This variant has not been reported in the literature in individuals affected with GJC2-related conditions. This variant disrupts a region of the GJC2 protein in which other variant(s) (p.Arg240*) have been determined to be pathogenic (PMID: 15192806; Invitae). This suggests that this is a clinically significant region of the protein, and that variants that disrupt it are likely to be disease-causing.

Literature cited by the submitters: PubMed 15192806.

NM_020435.4(GJC2):c.369_370del (p.Arg125fs)

Gene: GJC2 (gap junction protein gamma 2; plus strand). Cytogenetic location: 1q42.13.
Variant type: Microsatellite.
Coding change: c.369_370del on transcript NM_020435.4 (MANE Select); coding-DNA positions 369 to 370, 2 bases deleted (GC; older notation c.369_370delGC).
Protein change: p.Arg125fs; shifts the reading frame from arginine 125.
Molecular consequence: frameshift variant.
Genome position (GRCh38, 1-based): chr1:228,158,127-228,158,128, GC deleted; deleting any 2 consecutive bases within chr1:228,158,122-228,158,128 gives the same sequence; the c. name uses the placement nearest the transcript's 3' end. VCF-style (leftmost placement, unchanged base first): chr1-228158121-CCG-C. GRCh37 (hg19) VCF-style: chr1-228345822-CCG-C.
Other names: short protein forms R125fs.
Identifiers: ClinVar variation 2002110 (VCV002002110.4), dbSNP rs2527875902, ClinGen allele CA2580611555.
Genomic context (GRCh38, chr1:228,158,121, plus strand): 5'-CCTGGCCCGTGCGTCTGAGCAGGAGCGGCGCCGCGCCCTCCGCCGCCGCCCGGGGCCACG[CCG>C]CGCGCCCCGAGCGCACCTGCCGCCCCCGCACGCCGGCTGGCCTGAGCCCGCCGACCTGGG-3'